The following is an entry in ClinVar:

NM_000553.6(WRN):c.1873G>T (p.Glu625Ter)

Gene: WRN (WRN RecQ like helicase; plus strand). Cytogenetic location: 8p12.
Variant type: single nucleotide variant.
Coding change: c.1873G>T on transcript NM_000553.6 (MANE Select); coding-DNA position 1873, G replaced by T.
Protein change: p.Glu625Ter; replaces glutamic acid 625 with a stop codon.
Molecular consequence: nonsense.
Genome position (GRCh38, 1-based): chr8:31,091,873, G>T. VCF-style: chr8-31091873-G-T. GRCh37 (hg19) VCF-style: chr8-30949389-G-T.
Other names: short protein forms E625*.
Identifiers: ClinVar variation 2679618 (VCV002679618.6), dbSNP rs1813759748, ClinGen allele CA370928478.

ClinVar aggregate classification (germline): Pathogenic/Likely pathogenic. Review status: criteria provided, multiple submitters, no conflicts (2 of 4 stars). 3 submissions from 3 submitters: Pathogenic (1); Likely pathogenic (2). Last evaluated 2023-03-23.

Conditions:
Werner syndrome (WRN). Identifiers: Orphanet 902, MedGen C0043119, MONDO:0010196, OMIM 277700.

Submissions (3):

Labcorp Genetics (formerly Invitae), Labcorp
Classification: Pathogenic for Werner syndrome. Last evaluated: 2023-03-23. Review status: criteria provided, single submitter. Criteria: Invitae Variant Classification Sherloc (09022015). Collection method: clinical testing. Allele origin: germline.
Comment: This variant is not present in population databases (gnomAD no frequency). This sequence change creates a premature translational stop signal (p.Glu625*) in the WRN gene. It is expected to result in an absent or disrupted protein product. Loss-of-function variants in WRN are known to be pathogenic (PMID: 16673358). This variant has not been reported in the literature in individuals affected with WRN-related conditions. For these reasons, this variant has been classified as Pathogenic.

Baylor Genetics
Classification: Likely pathogenic for Werner syndrome. Last evaluated: 2022-06-18. Review status: criteria provided, single submitter. Criteria: ACMG Guidelines, 2015. Collection method: clinical testing. Allele origin: unknown.

Juno Genomics, Hangzhou Juno Genomics, Inc
Classification: Likely pathogenic for Werner syndrome. Review status: criteria provided, single submitter. Criteria: ACMG Guidelines, 2015. Collection method: clinical testing. Allele origin: germline.
Comment: Null variant in a gene where loss of function (LOF) is a known mechanism of disease.;Absent from controls (or at extremely low frequency if recessive) in Genome Aggregation Database.

Literature cited by the submitters: PubMed 16673358 (cited by Labcorp Genetics (formerly Invitae), Labcorp).